The following is an entry in ClinVar:

ClinVar aggregate classification (germline): Uncertain significance (1 of 4 stars; one submission).

gnomAD v4.1: 1 of 1,613,226 alleles (0.000062%); highest among the groups gnomAD compares: Non-Finnish European, 0.000085%; no homozygotes.

Submission:

GeneDx
Classification: Uncertain significance. Last evaluated: 2022-07-21. Review status: criteria provided, single submitter. Criteria: GeneDx Variant Classification Process June 2021. Collection method: clinical testing. Allele origin: germline. Affected: yes.
Comment: Not observed at significant frequency in large population cohorts (gnomAD); In silico analysis supports that this missense variant has a deleterious effect on protein structure/function; Has not been previously published as pathogenic or benign to our knowledge

NM_022893.4(BCL11A):c.2041C>A (p.Gln681Lys)

Gene: BCL11A (BCL11 transcription factor A; minus strand). Cytogenetic location: 2p16.1.
Variant type: single nucleotide variant.
Coding change: c.2041C>A on transcript NM_022893.4 (MANE Select); coding-DNA position 2041, C replaced by A.
Protein change: p.Gln681Lys; replaces glutamine 681 with lysine.
Molecular consequence: missense variant. On other transcripts: intron variant (6).
Genome position (GRCh38, 1-based): chr2:60,460,871, G>T on the plus strand (C>A on the coding strand, the complement: BCL11A is on the minus strand). VCF-style: chr2-60460871-G-T. GRCh37 (hg19) VCF-style: chr2-60688006-G-T.
Other names: c.1939C>A, p.Gln647Lys (NM_001363864.1, NM_001365609.1, NM_001405711.1 and 2 more transcripts); c.2041C>A, p.Gln681Lys (NM_001405708.1, NM_001405709.1, NM_001405710.1 and 1 more transcripts); c.1885C>A, p.Gln629Lys (NM_001405713.1, NM_001405714.1, NM_001405715.1 and 3 more transcripts); c.1783C>A, p.Gln595Lys (NM_001405717.1, NM_001405718.1, NM_001405724.1); c.1708C>A, p.Gln570Lys (NM_001405720.1, NM_001405721.1); c.1585C>A, p.Gln529Lys (NM_001405725.1, NM_001405726.1, NM_001405727.1 and 1 more transcripts); c.1348C>A, p.Gln450Lys (NM_001405729.1); c.1504C>A, p.Gln502Lys (NM_001405730.1); and 5 more; short protein forms Q570K, Q450K, Q529K, Q595K, Q629K, Q350K, Q647K, Q681K.
Identifiers: ClinVar variation 2136091 (VCV002136091.1), dbSNP rs2466207580, ClinGen allele CA347036694.